The following is an entry in ClinVar:

NM_001211.6(BUB1B):c.35+4G>A

Genes: BUB1B (BUB1 mitotic checkpoint serine/threonine kinase B; plus strand), LOC130056830 (ATAC-STARR-seq lymphoblastoid active region 9236; plus strand). Cytogenetic location: 15q15.1.
Variant type: single nucleotide variant.
Coding change: c.35+4G>A on transcript NM_001211.6 (MANE Select); 4 bases into the intron after coding-DNA position 35, G replaced by A.
Molecular consequence: intron variant.
Genome position (GRCh38, 1-based): chr15:40,161,259, G>A. VCF-style: chr15-40161259-G-A. GRCh37 (hg19) VCF-style: chr15-40453460-G-A.
Identifiers: ClinVar variation 956941 (VCV000956941.11), dbSNP rs769117219, ClinGen allele CA268762072.

ClinVar aggregate classification (germline): Uncertain significance (1 of 4 stars; one submission).

Conditions:
Mosaic variegated aneuploidy syndrome 1 (MVA1). Also called: Warburton-Anyane-Yeboa syndrome. Identifiers: Orphanet 1052, MedGen C1850343, MONDO:0009759, OMIM 257300.

Allele frequency attached by ClinVar (database versions not stated): TOPMed 0.00006.
gnomAD v4.1: 13 of 1,612,322 alleles (0.00081%); highest among the groups gnomAD compares: African/African-American, 0.013%; no homozygotes.

Submission:

Labcorp Genetics (formerly Invitae), Labcorp
Classification: Uncertain significance for Mosaic variegated aneuploidy syndrome 1. Last evaluated: 2024-11-03. Review status: criteria provided, single submitter. Criteria: Invitae Variant Classification Sherloc (09022015). Collection method: clinical testing. Allele origin: germline.
Comment: This sequence change falls in intron 1 of the BUB1B gene. It does not directly change the encoded amino acid sequence of the BUB1B protein. It affects a nucleotide within the consensus splice site. The frequency data for this variant in the population databases is considered unreliable, as metrics indicate poor data quality at this position in the gnomAD database. This variant has not been reported in the literature in individuals affected with BUB1B-related conditions. ClinVar contains an entry for this variant (Variation ID: 956941). Variants that disrupt the consensus splice site are a relatively common cause of aberrant splicing (PMID: 17576681, 9536098). Algorithms developed to predict the effect of sequence changes on RNA splicing suggest that this variant is not likely to affect RNA splicing. In summary, the available evidence is currently insufficient to determine the role of this variant in disease. Therefore, it has been classified as a Variant of Uncertain Significance.

Literature cited by the submitters: PubMed 17576681; PubMed 9536098.